The following is an entry in ClinVar:

NM_000179.3(MSH6):c.2619del (p.Ile874fs)

Gene: MSH6 (mutS homolog 6; plus strand). Cytogenetic location: 2p16.3.
Variant type: Deletion.
Coding change: c.2619del on transcript NM_000179.3 (MANE Select); coding-DNA position 2619, one base deleted (G; older notation c.2619delG).
Protein change: p.Ile874fs; shifts the reading frame from isoleucine 874.
Molecular consequence: frameshift variant.
Genome position (GRCh38, 1-based): chr2:47,800,602, G deleted; the last of 3 consecutive G bases (chr2:47,800,600-47,800,602); deleting any one gives the same sequence. VCF-style (leftmost placement, unchanged base first): chr2-47800599-AG-A. GRCh37 (hg19) VCF-style: chr2-48027738-AG-A.
Other names: c.2229del, p.Ile744fs (NM_001281492.2); c.1713del, p.Ile572fs (NM_001281493.2, NM_001281494.2); c.2715delG, p.Ile906Serfs (NM_001406795.1, NM_001406802.1); c.2619delG, p.Ile874Serfs (NM_001406796.1, NM_001406798.1, NM_001406800.1 and 2 more transcripts); c.2322delG, p.Ile775Serfs (NM_001406797.1, NM_001406801.1, NM_001406805.1 and 10 more transcripts); c.2094delG, p.Ile699Serfs (NM_001406799.1, NM_001406806.1, NM_001406807.1); c.2541delG, p.Ile848Serfs (NM_001406804.1); c.1713delG, p.Ile572Serfs (NM_001406811.1, NM_001406812.1, NM_001406814.1 and 4 more transcripts); and 2 more; short protein forms I874fs, I572fs, I744fs.
Identifiers: ClinVar variation 1793893 (VCV001793893.2), dbSNP rs1114167749, ClinGen allele CA2580067967.
Genomic context (GRCh38, chr2:47,800,599, plus strand): 5'-GAAGAAGATTATTGATTTTCTTTCTGCTCTGGAAGGATTCAAAGTAATGTGTAAAATTAT[AG>A]GGATCATGGAAGAAGTTGCTGATGGTTTTAAGTCTAAAATCCTTAAGCAGGTCATCTCTC-3'

ClinVar aggregate classification (germline): Pathogenic (1 of 4 stars; one submission).

Conditions:
Hereditary cancer-predisposing syndrome. Also called: Tumor predisposition; Hereditary Cancer Syndrome; Neoplastic Syndromes, Hereditary; Hereditary neoplastic syndrome. Identifiers: Orphanet 140162, MedGen C0027672, MeSH D009386, MONDO:0015356.

Submission:

Ambry Genetics
Classification: Pathogenic for Hereditary cancer-predisposing syndrome. Last evaluated: 2018-10-19. Review status: criteria provided, single submitter. Criteria: Ambry Variant Classification Scheme 2023. Collection method: clinical testing. Allele origin: germline.
Comment: The c.2619delG pathogenic mutation, located in coding exon 4 of the MSH6 gene, results from a deletion of one nucleotide at nucleotide position 2619, causing a translational frameshift with a predicted alternate stop codon. This mutation was identified as germline in a patient undergoing paired tumor-normal sequencing (Schrader KA et al. JAMA Oncol 2016 Jan;2:104-11). This alteration is expected to result in loss of function by premature protein truncation or nonsense-mediated mRNA decay. As such, this alteration is interpreted as a disease-causing mutation.

Literature cited by the submitters: PubMed 26556299.